The following is an entry in ClinVar:

NM_004360.5(CDH1):c.2436del (p.Asp812fs)

Gene: CDH1 (cadherin 1; plus strand). Cytogenetic location: 16q22.1.
Variant type: Deletion.
Coding change: c.2436del on transcript NM_004360.5 (MANE Select); coding-DNA position 2436, one base deleted (T; older notation c.2436delT).
Protein change: p.Asp812fs; shifts the reading frame from aspartic acid 812.
Molecular consequence: frameshift variant.
Genome position (GRCh38, 1-based): chr16:68,829,794, T deleted. VCF-style (leftmost placement, unchanged base first): chr16-68829793-AT-A. GRCh37 (hg19) VCF-style: chr16-68863696-AT-A.
Other names: c.2253del, p.Asp751fs (NM_001317184.2); c.888del, p.Asp296fs (NM_001317185.2); c.471del, p.Asp157fs (NM_001317186.2); short protein forms D157fs, D296fs, D751fs, D812fs.
Identifiers: ClinVar variation 2587424 (VCV002587424.2), dbSNP rs2543957595, ClinGen allele CA2582342530.

ClinVar aggregate classification (germline): Likely pathogenic (1 of 4 stars; one submission).

Conditions:
Hereditary cancer-predisposing syndrome. Also called: Tumor predisposition; Hereditary Cancer Syndrome; Hereditary neoplastic syndrome; Neoplastic Syndromes, Hereditary. Identifiers: Orphanet 140162, MedGen C0027672, MeSH D009386, MONDO:0015356.

Submission:

Ambry Genetics
Classification: Likely pathogenic for Hereditary cancer-predisposing syndrome. Last evaluated: 2023-06-30. Review status: criteria provided, single submitter. Criteria: Ambry Variant Classification Scheme 2023. Collection method: clinical testing. Allele origin: germline.
Comment: The c.2436delT variant, located in coding exon 15 of the CDH1 gene, results from a deletion of one nucleotide at nucleotide position 2436, causing a translational frameshift with a predicted alternate stop codon (p.D812Efs*4). This alteration occurs at the 3' terminus of theCDH1 gene, is not expected to trigger nonsense-mediated mRNA decay, and only impacts the last 71 amino acids of the protein. However, premature stop codons are typically deleterious in nature and a significant portion of the protein is affected (Ambry internal data). This variant is considered to be rare based on population cohorts in the Genome Aggregation Database (gnomAD). Based on the majority of available evidence to date, this variant is likely to be pathogenic.